The following is an entry in ClinVar:

ClinVar aggregate classification (germline): Uncertain significance (1 of 4 stars; one submission).

Submission:

Labcorp Genetics (formerly Invitae), Labcorp
Classification: Uncertain significance. Last evaluated: 2022-02-17. Review status: criteria provided, single submitter. Criteria: Invitae Variant Classification Sherloc (09022015). Collection method: clinical testing. Allele origin: germline.
Comment: In summary, the available evidence is currently insufficient to determine the role of this variant in disease. Therefore, it has been classified as a Variant of Uncertain Significance. This sequence change replaces aspartic acid, which is acidic and polar, with glutamic acid, which is acidic and polar, at codon 681 of the LRP5 protein (p.Asp681Glu). This variant is not present in population databases (gnomAD no frequency). This variant has not been reported in the literature in individuals affected with LRP5-related conditions. Advanced modeling of protein sequence and biophysical properties (such as structural, functional, and spatial information, amino acid conservation, physicochemical variation, residue mobility, and thermodynamic stability) performed at Invitae indicates that this missense variant is not expected to disrupt LRP5 protein function.

NM_002335.4(LRP5):c.2043C>G (p.Asp681Glu)

Gene: LRP5 (LDL receptor related protein 5; plus strand). Cytogenetic location: 11q13.2.
Variant type: single nucleotide variant.
Coding change: c.2043C>G on transcript NM_002335.4 (MANE Select); coding-DNA position 2043, C replaced by G.
Protein change: p.Asp681Glu; replaces aspartic acid 681 with glutamic acid.
Molecular consequence: missense variant.
Genome position (GRCh38, 1-based): chr11:68,406,765, C>G. VCF-style: chr11-68406765-C-G. GRCh37 (hg19) VCF-style: chr11-68174233-C-G.
Other names: c.300C>G, p.Asp100Glu (NM_001291902.2); short protein forms D681E, D100E.
Identifiers: ClinVar variation 2096403 (VCV002096403.4), dbSNP rs2098655940, ClinGen allele CA381615830.